The following is an entry in ClinVar:

NM_000051.4(ATM):c.2117C>G (p.Ser706Ter)

Gene: ATM (ATM serine/threonine kinase; plus strand). Cytogenetic location: 11q22.3.
Variant type: single nucleotide variant.
Coding change: c.2117C>G on transcript NM_000051.4 (MANE Select); coding-DNA position 2117, C replaced by G.
Protein change: p.Ser706Ter; replaces serine 706 with a stop codon.
Molecular consequence: nonsense.
Genome position (GRCh38, 1-based): chr11:108,254,032, C>G. VCF-style: chr11-108254032-C-G. GRCh37 (hg19) VCF-style: chr11-108124759-C-G.
Other names: c.2117C>G, p.Ser706Ter (NM_001351834.2); short protein forms S706*.
Identifiers: ClinVar variation 2679784 (VCV002679784.3), dbSNP rs779004090, ClinGen allele CA382537778.
Genomic context (GRCh38, chr11:108,254,032, plus strand): 5'-TCAAGGAATCACTGGATCGCTGTCTTCTGGGATTATCAGAACAGCTTCTGAATAATTACT[C>G]ATCTGAGGTGAGATTTTTTAAAAAAAGAACTAAGCTTATATATGATTCAACTTTGGTAAA-3'

ClinVar aggregate classification (germline): Pathogenic/Likely pathogenic. Review status: criteria provided, multiple submitters, no conflicts (2 of 4 stars). 3 submissions from 3 submitters: Pathogenic (2); Likely pathogenic (1). Last evaluated 2024-11-22.

Conditions:
Hereditary cancer-predisposing syndrome. Also called: Neoplastic Syndromes, Hereditary; Hereditary neoplastic syndrome; Tumor predisposition; Hereditary Cancer Syndrome. Identifiers: Orphanet 140162, MedGen C0027672, MeSH D009386, MONDO:0015356.
Familial cancer of breast. Also called: hereditary breast carcinoma; BREAST CANCER, FAMILIAL; Hereditary breast cancer. Identifiers: Orphanet 227535, MedGen C0346153, MONDO:0016419, OMIM 114480. Disease mechanism: loss of function.

Allele frequency attached by ClinVar (database versions not stated): gnomAD 0.00001.

Submissions (3):

Ambry Genetics
Classification: Pathogenic for Hereditary cancer-predisposing syndrome. Last evaluated: 2024-11-22. Review status: criteria provided, single submitter. Criteria: Ambry Variant Classification Scheme 2023. Collection method: clinical testing. Allele origin: germline.
Comment: The p.S706* pathogenic mutation (also known as c.2117C>G), located in coding exon 12 of the ATM gene, results from a C to G substitution at nucleotide position 2117. This changes the amino acid from a serine to a stop codon within coding exon 12. This variant is considered to be rare based on population cohorts in the Genome Aggregation Database (gnomAD). This alteration is expected to result in loss of function by premature protein truncation or nonsense-mediated mRNA decay. As such, this alteration is interpreted as a disease-causing mutation.

Myriad Genetics, Inc.
Classification: Pathogenic for Familial cancer of breast. Last evaluated: 2024-01-17. Review status: criteria provided, single submitter. Criteria: Myriad Autosomal Dominant, Autosomal Recessive and X-Linked Classification Criteria (2023). Collection method: clinical testing. Allele origin: unknown.
Comment: This variant is considered pathogenic. This variant creates a termination codon and is predicted to result in premature protein truncation.

Baylor Genetics
Classification: Likely pathogenic for Familial cancer of breast. Last evaluated: 2021-06-01. Review status: criteria provided, single submitter. Criteria: ACMG Guidelines, 2015. Collection method: clinical testing. Allele origin: unknown.